The following is an entry in ClinVar:

NM_000138.5(FBN1):c.6768T>G (p.His2256Gln)

Gene: FBN1 (fibrillin 1; minus strand). Cytogenetic location: 15q21.1.
Variant type: single nucleotide variant.
Coding change: c.6768T>G on transcript NM_000138.5 (MANE Select); coding-DNA position 6768, T replaced by G.
Protein change: p.His2256Gln; replaces histidine 2256 with glutamine.
Molecular consequence: missense variant.
Genome position (GRCh38, 1-based): chr15:48,430,774, A>C on the plus strand (T>G on the coding strand, the complement: FBN1 is on the minus strand). VCF-style: chr15-48430774-A-C. GRCh37 (hg19) VCF-style: chr15-48722971-A-C.
Other names: c.6768T>G, p.His2256Gln (NM_001406716.1); short protein forms H2256Q.
Identifiers: ClinVar variation 4689951 (VCV004689951.1).

ClinVar aggregate classification (germline): Uncertain significance (1 of 4 stars; one submission).

Submission:

GeneDx
Classification: Uncertain significance. Last evaluated: 2025-07-30. Review status: criteria provided, single submitter. Criteria: GeneDx Variant Classification Process June 2021. Collection method: clinical testing. Allele origin: germline. Affected: yes.
Comment: Not observed at significant frequency in large population cohorts (gnomAD); In silico analysis supports that this missense variant has a deleterious effect on protein structure/function; Has not been previously published as pathogenic or benign to our knowledge; Does not affect a cysteine or calcium-binding residue within an EGF-like domain or a TGF-binding protein domain of the FBN1 gene; cysteine substitutions in the EGF-like domains represent the majority of pathogenic missense changes associated with FBN1-related disorders (PMID: 12938084); This variant is associated with the following publications: (PMID: 12938084)